The following is an entry in ClinVar:

ClinVar aggregate classification (germline): Uncertain significance. Review status: criteria provided, multiple submitters, no conflicts (2 of 4 stars). 2 submissions from 2 submitters: Uncertain significance (2). Last evaluated 2024-11-15.

Conditions:
Hereditary cancer-predisposing syndrome. Also called: Hereditary Cancer Syndrome; Hereditary neoplastic syndrome; Tumor predisposition; Neoplastic Syndromes, Hereditary. Identifiers: Orphanet 140162, MedGen C0027672, MeSH D009386, MONDO:0015356.

Submissions (2):

Quest Diagnostics Nichols Institute San Juan Capistrano
Classification: Uncertain significance. Last evaluated: 2024-11-15. Review status: criteria provided, single submitter. Criteria: Quest Diagnostics criteria. Collection method: clinical testing. Allele origin: unknown.
Comment: The PMS2 c.2525A>G (p.Asn842Ser) variant has not been reported in individuals with PMS2-related conditions in the published literature. It also has not been reported in large, multi-ethnic general populations (Genome Aggregation Database). Analysis of this variant using bioinformatics tools for the prediction of the effect of amino acid changes on protein structure and function yielded predictions that this variant is damaging. Based on the available information, we are unable to determine the clinical significance of this variant.

Ambry Genetics
Classification: Uncertain significance for Hereditary cancer-predisposing syndrome. Last evaluated: 2019-11-27. Review status: criteria provided, single submitter. Criteria: Ambry Variant Classification Scheme 2023. Collection method: clinical testing. Allele origin: germline.
Comment: The p.N842S variant (also known as c.2525A>G), located in coding exon 15 of the PMS2 gene, results from an A to G substitution at nucleotide position 2525. The asparagine at codon 842 is replaced by serine, an amino acid with highly similar properties. This amino acid position is highly conserved in available vertebrate species. In addition, this alteration is predicted to be tolerated by in silico analysis. Since supporting evidence is limited at this time, the clinical significance of this alteration remains unclear.

NM_000535.7(PMS2):c.2525A>G (p.Asn842Ser)

Gene: PMS2 (PMS1 homolog 2, mismatch repair system component; minus strand). Cytogenetic location: 7p22.1.
Variant type: single nucleotide variant.
Coding change: c.2525A>G on transcript NM_000535.7 (MANE Select); coding-DNA position 2525, A replaced by G.
Protein change: p.Asn842Ser; replaces asparagine 842 with serine.
Molecular consequence: missense variant. On other transcripts: non-coding transcript variant (1).
Genome position (GRCh38, 1-based): chr7:5,973,463, T>C on the plus strand (A>G on the coding strand, the complement: PMS2 is on the minus strand). VCF-style: chr7-5973463-T-C. GRCh37 (hg19) VCF-style: chr7-6013094-T-C.
Other names: c.2216A>G, p.Asn739Ser (NM_001406880.1, NM_001406881.1, NM_001406882.1 and 4 more transcripts); c.2207A>G, p.Asn736Ser (NM_001406883.1, NM_001322007.2, NM_001322008.2); c.2201A>G, p.Asn734Ser (NM_001406884.1); c.2189A>G, p.Asn730Ser (NM_001406885.1); c.2159A>G, p.Asn720Ser (NM_001406886.1); c.2153A>G, p.Asn718Ser (NM_001406887.1, NM_001406888.1, NM_001322009.2); c.2120A>G, p.Asn707Ser (NM_001406889.1, NM_001406890.1, NM_001406891.1 and 12 more transcripts); c.2060A>G, p.Asn687Ser (NM_001406900.1); and 21 more; short protein forms N441S, N603S, N651S, N680S, N684S, N687S, N718S, N776S.
Identifiers: ClinVar variation 1792585 (VCV001792585.3), dbSNP rs1209752228, ClinGen allele CA366734867.